The following is an entry in ClinVar:

ClinVar aggregate classification (germline): Pathogenic (1 of 4 stars; one submission).

Conditions:
Nemaline myopathy 2 (NEM2). Also called: Nemaline myopathy 2, autosomal recessive. Identifiers: MedGen C1850569, MONDO:0009725, OMIM 256030.

Submission:

Myriad Genetics, Inc.
Classification: Pathogenic for Nemaline myopathy 2. Last evaluated: 2023-09-08. Review status: criteria provided, single submitter. Criteria: Myriad Autosomal Dominant, Autosomal Recessive and X-Linked Classification Criteria (2023). Collection method: clinical testing. Allele origin: unknown.
Comment: NM_001271208.1(NEB):c.25069C>T(Q8357*) is expected to be pathogenic in the context of NEB-related nemaline myopathy. This variant is predicted to lead to an abnormal or absent protein product due to the creation of a premature termination codon in NEB, a gene where loss-of-function variants are known to be pathogenic. Please note: this variant was assessed in the context of healthy population screening.

NM_001164508.2(NEB):c.24964C>T (p.Gln8322Ter)

Genes: NEB (nebulin; minus strand), RIF1 (replication timing regulatory factor 1; plus strand). Cytogenetic location: 2q23.3.
Variant type: single nucleotide variant.
Coding change: c.24964C>T on transcript NM_001164508.2 (MANE Select); coding-DNA position 24964, C replaced by T.
Protein change: p.Gln8322Ter; replaces glutamine 8322 with a stop codon.
Molecular consequence: nonsense.
Genome position (GRCh38, 1-based): chr2:151,492,191, G>A on the plus strand (C>T on the coding strand, the complement: NEB is on the minus strand). VCF-style: chr2-151492191-G-A. GRCh37 (hg19) VCF-style: chr2-152348705-G-A.
Other names: c.24964C>T, p.Gln8322Ter (NM_001164507.2); c.25069C>T, p.Gln8357Ter (NM_001271208.2); c.19396C>T, p.Gln6466Ter (NM_004543.5); short protein forms Q6466*, Q8322*, Q8357*.
Identifiers: ClinVar variation 5011609 (VCV005011609.1).